The following is an entry in ClinVar:

NM_003998.4(NFKB1):c.2056G>A (p.Gly686Arg)

Gene: NFKB1 (nuclear factor kappa B subunit 1; plus strand). Cytogenetic location: 4q24.
Variant type: single nucleotide variant.
Coding change: c.2056G>A on transcript NM_003998.4 (MANE Select); coding-DNA position 2056, G replaced by A.
Protein change: p.Gly686Arg; replaces glycine 686 with arginine.
Molecular consequence: missense variant.
Genome position (GRCh38, 1-based): chr4:102,607,251, G>A. VCF-style: chr4-102607251-G-A. GRCh37 (hg19) VCF-style: chr4-103528408-G-A.
Other names: c.2053G>A, p.Gly685Arg (NM_001165412.2, NM_001319226.2, NM_001382627.1); c.2056G>A, p.Gly686Arg (NM_001382625.1, NM_001382626.1); c.2014G>A, p.Gly672Arg (NM_001382628.1); short protein forms G672R, G686R, G685R.
Identifiers: ClinVar variation 2090800 (VCV002090800.4), dbSNP rs934744465, ClinGen allele CA102686929.

ClinVar aggregate classification (germline): Uncertain significance (1 of 4 stars; one submission).

Allele frequency attached by ClinVar (database versions not stated): TOPMed below 0.00001; gnomAD 0.00001; gnomAD exomes below 0.00001.
gnomAD v4.1: 4 of 1,614,080 alleles (0.00025%); highest among the groups gnomAD compares: Non-Finnish European, 0.00034%; no homozygotes.

Submission:

Labcorp Genetics (formerly Invitae), Labcorp
Classification: Uncertain significance. Last evaluated: 2025-07-06. Review status: criteria provided, single submitter. Criteria: Invitae Variant Classification Sherloc (09022015). Collection method: clinical testing. Allele origin: germline.
Comment: This sequence change replaces glycine, which is neutral and non-polar, with arginine, which is basic and polar, at codon 686 of the NFKB1 protein (p.Gly686Arg). This variant is not present in population databases (gnomAD no frequency). This variant has not been reported in the literature in individuals affected with NFKB1-related conditions. ClinVar contains an entry for this variant (Variation ID: 2090800). Invitae Evidence Modeling of protein sequence and biophysical properties (such as structural, functional, and spatial information, amino acid conservation, physicochemical variation, residue mobility, and thermodynamic stability) has been performed for this missense variant. However, the output from this modeling did not meet the statistical confidence thresholds required to predict the impact of this variant on NFKB1 protein function. In summary, the available evidence is currently insufficient to determine the role of this variant in disease. Therefore, it has been classified as a Variant of Uncertain Significance.